The following is an entry in ClinVar:

NC_000006.12:g.160931666_161145877dup

Genes: AGPAT4 (1-acylglycerol-3-phosphate O-acyltransferase 4; minus strand), MAP3K4 (mitogen-activated protein kinase kinase kinase 4; plus strand), MAP3K4-AS1 (MAP3K4 antisense RNA 1; minus strand), LOC102724087 (uncharacterized LOC102724087; plus strand), LOC123881356 (Sharpr-MPRA regulatory region 85; plus strand) and 9 more. Cytogenetic location: 6q26.
Variant type: Duplication.
Identifiers: ClinVar variation 157033 (VCV000157033.2).

ClinVar aggregate classification (germline): not provided (0 of 4 stars; one submission).

Conditions:
Normal pregnancy. Identifiers: MedGen C0232989.

Submission:

Institute of Molecular and Cell Biology, University of Tartu
No classification provided. Condition: Normal pregnancy. Review status: no classification provided. Collection method: case-control. Allele origin: unknown. Affected: yes. Study: Kasak2014.
Comment: The study aimed to determine the contribution of copy number variants in the genetic etiology of normal and complicated pregnancies. The samples represented (i) maternal blood DNA drawn from healthy pregnant women during 1st or 2nd trimester and (ii) maternal and paternal blood DNA drawn at term pregnancy cases representing normal and complicated gestations (severe preeclampsia, PE; gestational diabetes, GD; small-for-gestational age newborn, SGA; large-for-gestational age newborn, LGA). We performed CNV calling based on genome-wide genotyping dataset (Illumina HumanOmniExpress-24-v1 BeadChip) by applying three algorithms, QuantiSNP, GADA (Genome Alteration Detection Algorithm) and CNstream in parallel. The acquired CNV calls were merged with HD-CNV (Hotspot Detector for Copy Number Variants) program and only the CNVs predicted by at least two programs, were considered in subsequent analysis.

Literature cited by the submitters: PubMed 25666259.